The following is an entry in ClinVar:

NM_000138.5(FBN1):c.5465_5467dup (p.Ala1822dup)

Gene: FBN1 (fibrillin 1; minus strand). Cytogenetic location: 15q21.1.
Variant type: Duplication.
Coding change: c.5465_5467dup on transcript NM_000138.5 (MANE Select); coding-DNA positions 5465 to 5467, 3 bases duplicated (CCG; older notation c.5465_5467dupCCG).
Protein change: p.Ala1822dup; duplicates alanine 1822.
Molecular consequence: inframe insertion.
Genome position (GRCh38, 1-based): chr15:48,452,640-48,452,642, CGG duplicated on the plus strand (CCG on the coding strand, the reverse complement: FBN1 is on the minus strand); duplicating any 3 consecutive bases within chr15:48,452,640-48,452,644 gives the same sequence; the c. name uses the placement nearest the transcript's 3' end. VCF-style (leftmost placement, unchanged base first): chr15-48452639-T-TCGG. GRCh37 (hg19) VCF-style: chr15-48744836-T-TCGG.
Identifiers: ClinVar variation 924345 (VCV000924345.3), dbSNP rs2043210146, ClinGen allele CA1139663933.

ClinVar aggregate classification (germline): Uncertain significance (1 of 4 stars; one submission).

Conditions:
Familial thoracic aortic aneurysm and aortic dissection (TAAD). Also called: Thoracic aortic aneurysms and dissections. Identifiers: Orphanet 91387, MedGen C4707243, MONDO:0019625.

Submission:

Color Diagnostics, LLC DBA Color Health
Classification: Uncertain significance for Familial thoracic aortic aneurysm and aortic dissection. Last evaluated: 2019-06-27. Review status: criteria provided, single submitter. Criteria: ACMG Guidelines, 2015. Collection method: clinical testing. Allele origin: germline.
Comment: This variant duplicates a single amino acid in the FBN1 protein. To our knowledge, functional assays have not been performed for this variant. Computational splicing tools suggest that this variant may not impact RNA splicing. This variant has not been reported in individuals affected with cardiovascular disorders in the literature. This variant has not been identified in the general population by the Genome Aggregation Database (gnomAD). Available evidence is insufficient to determine the role of this variant in disease conclusively. Therefore, this variant is classified as a Variant of Uncertain Significance.